The following is an entry in ClinVar:

ClinVar aggregate classification (germline): Uncertain significance (1 of 4 stars; one submission).

Conditions:
Familial adenomatous polyposis 1 (FAP1). Also called: POLYPOSIS, ADENOMATOUS INTESTINAL; FAMILIAL ADENOMATOUS POLYPOSIS 1, ATTENUATED. Identifiers: MedGen C2713442, MONDO:0021056, OMIM 175100. Disease mechanism: loss of function.

Submission:

Labcorp Genetics (formerly Invitae), Labcorp
Classification: Uncertain significance for Familial adenomatous polyposis 1. Last evaluated: 2024-12-02. Review status: criteria provided, single submitter. Criteria: Invitae Variant Classification Sherloc (09022015). Collection method: clinical testing. Allele origin: germline.
Comment: This sequence change replaces proline, which is neutral and non-polar, with arginine, which is basic and polar, at codon 2692 of the APC protein (p.Pro2692Arg). This variant is not present in population databases (gnomAD no frequency). This variant has not been reported in the literature in individuals affected with APC-related conditions. ClinVar contains an entry for this variant (Variation ID: 2106621). Invitae Evidence Modeling of protein sequence and biophysical properties (such as structural, functional, and spatial information, amino acid conservation, physicochemical variation, residue mobility, and thermodynamic stability) indicates that this missense variant is not expected to disrupt APC protein function with a negative predictive value of 95%. In summary, the available evidence is currently insufficient to determine the role of this variant in disease. Therefore, it has been classified as a Variant of Uncertain Significance.

NM_000038.6(APC):c.8075C>G (p.Pro2692Arg)

Gene: APC (APC regulator of Wnt signaling pathway; plus strand). Cytogenetic location: 5q22.2.
Variant type: single nucleotide variant.
Coding change: c.8075C>G on transcript NM_000038.6 (MANE Select); coding-DNA position 8075, C replaced by G.
Protein change: p.Pro2692Arg; replaces proline 2692 with arginine.
Molecular consequence: missense variant.
Genome position (GRCh38, 1-based): chr5:112,843,669, C>G. VCF-style: chr5-112843669-C-G. GRCh37 (hg19) VCF-style: chr5-112179366-C-G.
Other names: c.8075C>G, p.Pro2692Arg (NM_001127510.3, NM_001354895.2, NM_001407450.1); c.8021C>G, p.Pro2674Arg (NM_001127511.3); c.8129C>G, p.Pro2710Arg (NM_001354896.2, NM_001407447.1, NM_001407448.1 and 1 more transcripts); c.8105C>G, p.Pro2702Arg (NM_001354897.2); c.8000C>G, p.Pro2667Arg (NM_001354898.2); c.7991C>G, p.Pro2664Arg (NM_001354899.2); c.7952C>G, p.Pro2651Arg (NM_001354900.2); c.7898C>G, p.Pro2633Arg (NM_001354901.2, NM_001407453.1); and 11 more; short protein forms P2532R, P2591R, P2682R, P2692R, P2710R, P2409R, P2566R, P2601R.
Identifiers: ClinVar variation 2106621 (VCV002106621.4), dbSNP rs879254153, ClinGen allele CA16038866.
Genomic context (GRCh38, chr5:112,843,669, plus strand): 5'-GAAGATCTCCCACAGGTAATACTCCCCCGGTGATTGACAGTGTTTCAGAAAAGGCAAATC[C>G]AAACATTAAAGATTCAAAAGATAATCAGGCAAAACAAAATGTGGGTAATGGCAGTGTTCC-3'
Protein context (NP_000029.2, residues 2682-2702): VIDSVSEKAN[Pro2692Arg]NIKDSKDNQA